The following is an entry in ClinVar:

ClinVar aggregate classification (germline): Uncertain significance (1 of 4 stars; one submission).

Conditions:
Infantile-onset ascending hereditary spastic paralysis (IAHSP). Also called: Autosomal Recessive Juvenile Amyotrophic Lateral Sclerosis; Infantile-Onset Ascending Hereditary Spastic Paralysis (IAHSP). Identifiers: Orphanet 293168, MedGen C2931441, MONDO:0011797, OMIM 607225. Disease mechanism: loss of function.

Allele frequency attached by ClinVar (database versions not stated): gnomAD exomes below 0.00001.

Submission:

Labcorp Genetics (formerly Invitae), Labcorp
Classification: Uncertain significance for Infantile-onset ascending hereditary spastic paralysis. Last evaluated: 2022-08-16. Review status: criteria provided, single submitter. Criteria: Invitae Variant Classification Sherloc (09022015). Collection method: clinical testing. Allele origin: germline.
Comment: In summary, the available evidence is currently insufficient to determine the role of this variant in disease. Therefore, it has been classified as a Variant of Uncertain Significance. Algorithms developed to predict the effect of sequence changes on RNA splicing suggest that this variant may create or strengthen a splice site. ClinVar contains an entry for this variant (Variation ID: 1393020). This variant has not been reported in the literature in individuals affected with ALS2-related conditions. The frequency data for this variant in the population databases is considered unreliable, as metrics indicate poor data quality at this position in the gnomAD database. This sequence change falls in intron 21 of the ALS2 gene. It does not directly change the encoded amino acid sequence of the ALS2 protein.

NM_020919.4(ALS2):c.3513-7T>A

Gene: ALS2 (alsin Rho guanine nucleotide exchange factor ALS2; minus strand). Cytogenetic location: 2q33.1.
Variant type: single nucleotide variant.
Coding change: c.3513-7T>A on transcript NM_020919.4 (MANE Select); 7 bases into the intron before coding-DNA position 3513, T replaced by A.
Molecular consequence: intron variant.
Genome position (GRCh38, 1-based): chr2:201,723,448, A>T on the plus strand (T>A on the coding strand, the complement: ALS2 is on the minus strand). VCF-style: chr2-201723448-A-T. GRCh37 (hg19) VCF-style: chr2-202588171-A-T.
Identifiers: ClinVar variation 1393020 (VCV001393020.6), dbSNP rs1237267302, ClinGen allele CA538957078.
Genomic context (GRCh38, chr2:201,723,448, plus strand): 5'-ACACCATTCCCTTGACACACATCATCTTGCCACATTCCCATATACTTTTCCCCCCTGCAC[A>T]GAAATAAAAAGAAAAGAAAAAGCACTGAAGATAAGGATAAAGTAGGGAAAAGACAATTAT-3'